The following is an entry in ClinVar:

ClinVar aggregate classification (germline): Conflicting classifications of pathogenicity. Review status: criteria provided, conflicting classifications (1 of 4 stars). 3 submissions from 3 submitters: Uncertain significance (1); Likely benign (1). 1 of the submissions does not count toward it. Last evaluated 2025-12-23.

Conditions:
FAT1-related disorder. Also called: FAT1-related condition.

Allele frequency attached by ClinVar (database versions not stated): gnomAD exomes 0.00025; ExAC 0.00026; ESP Exome Variant Server 0.00073; gnomAD 0.00095 and 0.00097; TOPMed 0.00106; 1000 Genomes Project 30x 0.00125; 1000 Genomes Project 0.00140.
gnomAD v4.1: 352 of 1,613,270 alleles (0.022%); highest among the groups gnomAD compares: African/African-American, 0.35%; 1 homozygote.

Submissions (3):

Labcorp Genetics (formerly Invitae), Labcorp
Classification: Likely benign. Last evaluated: 2025-12-23. Review status: criteria provided, single submitter. Criteria: Invitae Variant Classification Sherloc (09022015). Collection method: clinical testing. Allele origin: germline.

Clinical Genomics Laboratory, Washington University in St. Louis
Classification: Uncertain significance. Last evaluated: 2024-08-13. Review status: criteria provided, single submitter. Criteria: ACMG Guidelines, 2015. Collection method: clinical testing. Allele origin: germline.
Comment: A FAT1 c.13174G>A (p.Val4392Ile) variant was identified. This variant, to our knowledge, has not been reported in the medical literature and is observed on 89/279,156 alleles in the general population (gnomAD v2.1.1). Computational predictors suggest that the variant does not impact FAT1 function. This variant has been reported in the ClinVar database as a likely benign variant by two submitters (ClinVar ID: 720925). Due to limited information and based on ACMG/AMP guidelines for variant interpretation (Richards S et al., PMID: 25741868), the clinical significance of this variant is uncertain at this time.

PreventionGenetics, part of Exact Sciences
Classification: Likely benign for FAT1-related condition. Last evaluated: 2023-01-03. Review status: no assertion criteria provided. Collection method: clinical testing. Allele origin: germline. Not counted in ClinVar's aggregate classification.
Comment: This variant is classified as likely benign based on ACMG/AMP sequence variant interpretation guidelines (Richards et al. 2015 PMID: 25741868, with internal and published modifications).

NM_005245.4(FAT1):c.13174G>A (p.Val4392Ile)

Genes: FAT1 (FAT atypical cadherin 1; minus strand), LOC126807253 (BRD4-independent group 4 enhancer GRCh37_chr4:187509297-187510496; plus strand). Cytogenetic location: 4q35.2.
Variant type: single nucleotide variant.
Coding change: c.13174G>A on transcript NM_005245.4 (MANE Select); coding-DNA position 13174, G replaced by A.
Protein change: p.Val4392Ile; replaces valine 4392 with isoleucine.
Molecular consequence: missense variant.
Genome position (GRCh38, 1-based): chr4:186,589,185, C>T on the plus strand (G>A on the coding strand, the complement: FAT1 is on the minus strand). VCF-style: chr4-186589185-C-T. GRCh37 (hg19) VCF-style: chr4-187510339-C-T.
Other names: short protein forms V4392I.
Identifiers: ClinVar variation 720925 (VCV000720925.12), dbSNP rs192910004, ClinGen allele CA3164594.